The following is an entry in ClinVar:

ClinVar aggregate classification (germline): Uncertain significance. Review status: criteria provided, multiple submitters, no conflicts (2 of 4 stars). 2 submissions from 2 submitters: Uncertain significance (2). Last evaluated 2025-07-07.

gnomAD v4.1: 2 of 1,613,814 alleles (0.00012%); highest among the groups gnomAD compares: Non-Finnish European, 0.00017%; no homozygotes.

Submissions (2):

Labcorp Genetics (formerly Invitae), Labcorp
Classification: Uncertain significance. Last evaluated: 2025-07-07. Review status: criteria provided, single submitter. Criteria: Invitae Variant Classification Sherloc (09022015). Collection method: clinical testing. Allele origin: germline.
Comment: This sequence change replaces asparagine, which is neutral and polar, with lysine, which is basic and polar, at codon 502 of the LMNB1 protein (p.Asn502Lys). This variant is not present in population databases (gnomAD no frequency). This variant has not been reported in the literature in individuals affected with LMNB1-related conditions. ClinVar contains an entry for this variant (Variation ID: 1977512). Invitae Evidence Modeling of protein sequence and biophysical properties (such as structural, functional, and spatial information, amino acid conservation, physicochemical variation, residue mobility, and thermodynamic stability) indicates that this missense variant is expected to disrupt LMNB1 protein function with a positive predictive value of 80%. In summary, the available evidence is currently insufficient to determine the role of this variant in disease. Therefore, it has been classified as a Variant of Uncertain Significance.

CeGaT Center for Human Genetics Tuebingen
Classification: Uncertain significance. Last evaluated: 2025-02-01. Review status: criteria provided, single submitter. Criteria: CeGaT Center For Human Genetics Tuebingen Variant Classification Criteria Version 2. Collection method: clinical testing. Allele origin: germline. Affected: yes. Observed: 1 variant allele.

NM_005573.4(LMNB1):c.1506C>A (p.Asn502Lys)

Gene: LMNB1 (lamin B1; plus strand). Cytogenetic location: 5q23.2.
Variant type: single nucleotide variant.
Coding change: c.1506C>A on transcript NM_005573.4 (MANE Select); coding-DNA position 1506, C replaced by A.
Protein change: p.Asn502Lys; replaces asparagine 502 with lysine.
Molecular consequence: missense variant. On other transcripts: non-coding transcript variant (1).
Genome position (GRCh38, 1-based): chr5:126,826,002, C>A. VCF-style: chr5-126826002-C-A. GRCh37 (hg19) VCF-style: chr5-126161694-C-A.
Other names: c.876C>A, p.Asn292Lys (NM_001198557.2); short protein forms N502K, N292K.
Identifiers: ClinVar variation 1977512 (VCV001977512.18), dbSNP rs761390315, ClinGen allele CA360729566.